The following is an entry in ClinVar:

ClinVar aggregate classification (germline): Benign/Likely benign. Review status: criteria provided, multiple submitters, no conflicts (2 of 4 stars). 6 submissions from 6 submitters: Benign (4); Likely benign (2). Last evaluated 2026-02-03.

Conditions:
Primary ciliary dyskinesia. Also called: Ciliary dyskinesia. Identifiers: Orphanet 244, MedGen C0008780, MONDO:0016575, HP:0012265.

Allele frequency attached by ClinVar (database versions not stated): gnomAD exomes 0.00081 and 0.00190; ExAC 0.00241; gnomAD 0.00719 and 0.00770; ESP Exome Variant Server 0.00733; 1000 Genomes Project 0.00799; TOPMed 0.00815; 1000 Genomes Project 30x 0.00906.
gnomAD v4.1: 2,322 of 1,612,972 alleles (0.14%); highest among the groups gnomAD compares: African/African-American, 2.5%; 31 homozygotes.

Submissions (6):

Labcorp Genetics (formerly Invitae), Labcorp
Classification: Benign for Primary ciliary dyskinesia. Last evaluated: 2026-02-03. Review status: criteria provided, single submitter. Criteria: Invitae Variant Classification Sherloc (09022015). Collection method: clinical testing. Allele origin: germline.

GeneDx
Classification: Likely benign. Last evaluated: 2021-09-24. Review status: criteria provided, single submitter. Criteria: GeneDx Variant Classification Process June 2021. Collection method: clinical testing. Allele origin: germline. Affected: yes.

Laboratory for Molecular Medicine, Mass General Brigham Personalized Medicine
Classification: Benign. Last evaluated: 2018-05-10. Review status: criteria provided, single submitter. Criteria: LMM Criteria. Collection method: clinical testing. Allele origin: germline. Observed: 2 variant alleles.
Comment: The p.Lys3734Gln in exon 68 of DNAH11 is classified as benign because it has bee n identified in 2.5% (607/23998) of African chromosomes, including 4 homozygotes , by the Genome Aggregation Database (gnomAD; dbSNP rs114257197). ACMG/AMP Criteria applied: BA1.

Ambry Genetics
Classification: Benign for Primary ciliary dyskinesia. Last evaluated: 2015-08-19. Review status: criteria provided, single submitter. Criteria: Ambry Variant Classification Scheme 2023. Collection method: clinical testing. Allele origin: germline.

Breakthrough Genomics
Classification: Likely benign. Review status: criteria provided, single submitter. Criteria: ACMG Guidelines, 2015. Collection method: not provided. Allele origin: germline. Inheritance: Autosomal recessive inheritance. Affected: yes.

PreventionGenetics, part of Exact Sciences
Classification: Benign. Review status: criteria provided, single submitter. Criteria: ACMG Guidelines, 2015. Collection method: clinical testing. Allele origin: germline.

NM_001277115.2(DNAH11):c.11200A>C (p.Lys3734Gln)

Gene: DNAH11 (dynein axonemal heavy chain 11; plus strand). Cytogenetic location: 7p15.3.
Variant type: single nucleotide variant.
Coding change: c.11200A>C on transcript NM_001277115.2 (MANE Select); coding-DNA position 11200, A replaced by C.
Protein change: p.Lys3734Gln; replaces lysine 3734 with glutamine.
Molecular consequence: missense variant.
Genome position (GRCh38, 1-based): chr7:21,854,453, A>C. VCF-style: chr7-21854453-A-C. GRCh37 (hg19) VCF-style: chr7-21894071-A-C.
Other names: short protein forms K3734Q.
Identifiers: ClinVar variation 227316 (VCV000227316.21), dbSNP rs114257197, ClinGen allele CA4182639.